The following is an entry in ClinVar:

NM_004656.4(BAP1):c.488G>A (p.Arg163Gln)

Gene: BAP1 (BRCA1 associated deubiquitinase 1; minus strand). Cytogenetic location: 3p21.1.
Variant type: single nucleotide variant.
Coding change: c.488G>A on transcript NM_004656.4 (MANE Select); coding-DNA position 488, G replaced by A.
Protein change: p.Arg163Gln; replaces arginine 163 with glutamine.
Molecular consequence: missense variant.
Genome position (GRCh38, 1-based): chr3:52,407,266, C>T on the plus strand (G>A on the coding strand, the complement: BAP1 is on the minus strand). VCF-style: chr3-52407266-C-T. GRCh37 (hg19) VCF-style: chr3-52441282-C-T.
Other names: short protein forms R163Q.
Identifiers: ClinVar variation 1321082 (VCV001321082.12), dbSNP rs1268089896, ClinGen allele CA353110120.

ClinVar aggregate classification (germline): Uncertain significance. Review status: criteria provided, multiple submitters, no conflicts (2 of 4 stars). 3 submissions from 3 submitters: Uncertain significance (3). Last evaluated 2025-05-01.

Conditions:
Hereditary cancer-predisposing syndrome. Also called: Hereditary neoplastic syndrome; Neoplastic Syndromes, Hereditary; Tumor predisposition; Hereditary Cancer Syndrome. Identifiers: Orphanet 140162, MedGen C0027672, MeSH D009386, MONDO:0015356.
BAP1-related tumor predisposition syndrome (TPDS1). Also called: COMMON Syndrome; Tumor susceptibility linked to germline BAP1 mutations; BAP1 tumor predisposition syndrome; TUMOR PREDISPOSITION SYNDROME 1. Identifiers: Orphanet 289539, MedGen C3280492, MONDO:0013692, OMIM 614327.

Allele frequency attached by ClinVar (database versions not stated): gnomAD exomes below 0.00001; TOPMed below 0.00001.

Submissions (3):

Ambry Genetics
Classification: Uncertain significance for Hereditary cancer-predisposing syndrome. Last evaluated: 2025-05-01. Review status: criteria provided, single submitter. Criteria: Ambry Variant Classification Scheme 2023. Collection method: clinical testing. Allele origin: germline.
Comment: The p.R163Q variant (also known as c.488G>A), located in coding exon 7 of the BAP1 gene, results from a G to A substitution at nucleotide position 488. The arginine at codon 163 is replaced by glutamine, an amino acid with highly similar properties. This amino acid position is highly conserved in available vertebrate species. In addition, the in silico prediction for this alteration is inconclusive. Based on the available evidence, the clinical significance of this variant remains unclear.

Labcorp Genetics (formerly Invitae), Labcorp
Classification: Uncertain significance for BAP1-related tumor predisposition syndrome. Last evaluated: 2024-11-11. Review status: criteria provided, single submitter. Criteria: Invitae Variant Classification Sherloc (09022015). Collection method: clinical testing. Allele origin: germline.
Comment: This sequence change replaces arginine, which is basic and polar, with glutamine, which is neutral and polar, at codon 163 of the BAP1 protein (p.Arg163Gln). This variant is not present in population databases (gnomAD no frequency). This variant has not been reported in the literature in individuals affected with BAP1-related conditions. ClinVar contains an entry for this variant (Variation ID: 1321082). Invitae Evidence Modeling of protein sequence and biophysical properties (such as structural, functional, and spatial information, amino acid conservation, physicochemical variation, residue mobility, and thermodynamic stability) indicates that this missense variant is not expected to disrupt BAP1 protein function with a negative predictive value of 80%. In summary, the available evidence is currently insufficient to determine the role of this variant in disease. Therefore, it has been classified as a Variant of Uncertain Significance.

GeneDx
Classification: Uncertain significance. Last evaluated: 2020-01-13. Review status: criteria provided, single submitter. Criteria: GeneDx Variant Classification Process June 2021. Collection method: clinical testing. Allele origin: germline. Affected: yes.
Comment: Not observed in large population cohorts (Lek 2016); In silico analysis, which includes protein predictors and evolutionary conservation, supports a deleterious effect; Has not been previously published as pathogenic or benign to our knowledge

Literature cited by the submitters: PubMed 26452128 (cited by Ambry Genetics).